The following is an entry in ClinVar:

ClinVar aggregate classification (germline): Pathogenic (1 of 4 stars; one submission).

Submission:

Labcorp Genetics (formerly Invitae), Labcorp
Classification: Pathogenic. Last evaluated: 2023-07-13. Review status: criteria provided, single submitter. Criteria: Invitae Variant Classification Sherloc (09022015). Collection method: clinical testing. Allele origin: germline.
Comment: For these reasons, this variant has been classified as Pathogenic. This sequence change creates a premature translational stop signal (p.Cys338*) in the FRAS1 gene. It is expected to result in an absent or disrupted protein product. Loss-of-function variants in FRAS1 are known to be pathogenic (PMID: 12766769, 18671281). This variant is not present in population databases (gnomAD no frequency). This variant has not been reported in the literature in individuals affected with FRAS1-related conditions.

Literature cited by the submitters: PubMed 12766769; PubMed 18671281.

NM_025074.7(FRAS1):c.1014T>A (p.Cys338Ter)

Gene: FRAS1 (Fraser extracellular matrix complex subunit 1; plus strand). Cytogenetic location: 4q21.21.
Variant type: single nucleotide variant.
Coding change: c.1014T>A on transcript NM_025074.7 (MANE Select); coding-DNA position 1014, T replaced by A.
Protein change: p.Cys338Ter; replaces cysteine 338 with a stop codon.
Molecular consequence: nonsense.
Genome position (GRCh38, 1-based): chr4:78,278,687, T>A. VCF-style: chr4-78278687-T-A. GRCh37 (hg19) VCF-style: chr4-79199841-T-A.
Other names: c.1014T>A, p.Cys338Ter (NM_001166133.2); short protein forms C338*.
Identifiers: ClinVar variation 2817313 (VCV002817313.3), dbSNP rs2476575540, ClinGen allele CA357365295.